The following is an entry in ClinVar:

NM_001371623.1(TCOF1):c.568A>G (p.Met190Val)

Gene: TCOF1 (treacle ribosome biogenesis factor 1; plus strand). Cytogenetic location: 5q32.
Variant type: single nucleotide variant.
Coding change: c.568A>G on transcript NM_001371623.1 (MANE Select); coding-DNA position 568, A replaced by G.
Protein change: p.Met190Val; replaces methionine 190 with valine.
Molecular consequence: missense variant.
Genome position (GRCh38, 1-based): chr5:150,369,531, A>G. VCF-style: chr5-150369531-A-G. GRCh37 (hg19) VCF-style: chr5-149749094-A-G.
Other names: c.568A>G, p.Met190Val (NM_000356.4, NM_001008657.3, NM_001135243.2 and 3 more transcripts); short protein forms M190V.
Identifiers: ClinVar variation 1308223 (VCV001308223.2), dbSNP rs1562313466, ClinGen allele CA361736245.

ClinVar aggregate classification (germline): Uncertain significance (1 of 4 stars; one submission).

Allele frequency attached by ClinVar (database versions not stated): gnomAD exomes below 0.00001; TOPMed below 0.00001.

Submission:

GeneDx
Classification: Uncertain significance. Last evaluated: 2019-03-19. Review status: criteria provided, single submitter. Criteria: GeneDx Variant Classification Process June 2021. Collection method: clinical testing. Allele origin: germline. Affected: yes.
Comment: Not observed in large population cohorts (Lek et al., 2016); In silico analysis, which includes protein predictors and evolutionary conservation, supports that this variant does not alter protein structure/function; Has not been previously published as pathogenic or benign to our knowledge